The following is an entry in ClinVar:

NM_001105206.3(LAMA4):c.3517A>G (p.Ile1173Val)

Gene: LAMA4 (laminin subunit alpha 4; minus strand). Cytogenetic location: 6q21.
Variant type: single nucleotide variant.
Coding change: c.3517A>G on transcript NM_001105206.3 (MANE Select); coding-DNA position 3517, A replaced by G.
Protein change: p.Ile1173Val; replaces isoleucine 1173 with valine.
Molecular consequence: missense variant.
Genome position (GRCh38, 1-based): chr6:112,134,507, T>C on the plus strand (A>G on the coding strand, the complement: LAMA4 is on the minus strand). VCF-style: chr6-112134507-T-C. GRCh37 (hg19) VCF-style: chr6-112455709-T-C.
Other names: c.3496A>G, p.Ile1166Val (NM_001105207.3, NM_002290.5); short protein forms I1166V, I1173V.
Identifiers: ClinVar variation 1723829 (VCV001723829.12), dbSNP rs201834379, ClinGen allele CA3965201.

ClinVar aggregate classification (germline): Uncertain significance. Review status: criteria provided, multiple submitters, no conflicts (2 of 4 stars). 3 submissions from 3 submitters: Uncertain significance (3). Last evaluated 2025-12-11.

Conditions:
Dilated cardiomyopathy 1JJ (CMD1JJ). Identifiers: Orphanet 154, MedGen C3808935, MONDO:0014095, OMIM 615235.
Cardiovascular phenotype. Identifiers: MedGen CN230736.

Allele frequency attached by ClinVar (database versions not stated): ExAC 0.00001; gnomAD 0.00001; gnomAD exomes 0.00001; 1000 Genomes Project 0.00020; 1000 Genomes Project 30x 0.00031.
gnomAD v4.1: 20 of 1,613,396 alleles (0.0012%); highest among the groups gnomAD compares: Non-Finnish European, 0.0016%; no homozygotes.

Submissions (3):

Ambry Genetics
Classification: Uncertain significance for Cardiovascular phenotype. Last evaluated: 2025-12-11. Review status: criteria provided, single submitter. Criteria: Ambry Variant Classification Scheme 2023. Collection method: clinical testing. Allele origin: germline.

Labcorp Genetics (formerly Invitae), Labcorp
Classification: Uncertain significance for Dilated cardiomyopathy 1JJ. Last evaluated: 2025-12-10. Review status: criteria provided, single submitter. Criteria: Invitae Variant Classification Sherloc (09022015). Collection method: clinical testing. Allele origin: germline.
Comment: This sequence change replaces isoleucine, which is neutral and non-polar, with valine, which is neutral and non-polar, at codon 1166 of the LAMA4 protein (p.Ile1166Val). This variant is present in population databases (rs201834379, gnomAD 0.0009%). This variant has not been reported in the literature in individuals affected with LAMA4-related conditions. ClinVar contains an entry for this variant (Variation ID: 1723829). Invitae Evidence Modeling of protein sequence and biophysical properties (such as structural, functional, and spatial information, amino acid conservation, physicochemical variation, residue mobility, and thermodynamic stability) indicates that this missense variant is not expected to disrupt LAMA4 protein function with a negative predictive value of 80%. In summary, the available evidence is currently insufficient to determine the role of this variant in disease. Therefore, it has been classified as a Variant of Uncertain Significance.

GeneDx
Classification: Uncertain significance. Last evaluated: 2024-10-17. Review status: criteria provided, single submitter. Criteria: GeneDx Variant Classification Process June 2021. Collection method: clinical testing. Allele origin: germline. Affected: yes.
Comment: Has not been previously published as pathogenic or benign to our knowledge; Not observed at significant frequency in large population cohorts (gnomAD); In silico analysis indicates that this missense variant does not alter protein structure/function